The following is an entry in ClinVar:

ClinVar aggregate classification (germline): Benign (1 of 4 stars; one submission).

Allele frequency attached by ClinVar (database versions not stated): gnomAD 0.06990 and 0.07172; TOPMed 0.07872; 1000 Genomes Project 30x 0.08542; 1000 Genomes Project 0.08766.
gnomAD v4.1: 10,951 of 152,228 alleles (7.2%); highest among the groups gnomAD compares: South Asian, 12%; 450 homozygotes.

Submission:

GeneDx
Classification: Benign. Last evaluated: 2018-06-19. Review status: criteria provided, single submitter. Criteria: GeneDx Variant Classification (06012015). Collection method: clinical testing. Allele origin: germline. Affected: yes.
Comment: This variant is considered likely benign or benign based on one or more of the following criteria: it is a conservative change, it occurs at a poorly conserved position in the protein, it is predicted to be benign by multiple in silico algorithms, and/or has population frequency not consistent with disease.

NM_001127644.2(GABRA1):c.703+295A>G

Gene: GABRA1 (gamma-aminobutyric acid type A receptor subunit alpha1; plus strand). Cytogenetic location: 5q34.
Variant type: single nucleotide variant.
Coding change: c.703+295A>G on transcript NM_001127644.2 (MANE Select); 295 bases into the intron after coding-DNA position 703, A replaced by G.
Molecular consequence: intron variant.
Genome position (GRCh38, 1-based): chr5:161,882,996, A>G. VCF-style: chr5-161882996-A-G. GRCh37 (hg19) VCF-style: chr5-161310002-A-G.
Other names: c.703+295A>G (NM_000806.5, NM_001127643.2, NM_001127645.2 and 1 more transcripts).
Identifiers: ClinVar variation 668949 (VCV000668949.1), dbSNP rs12658807, ClinGen allele CA15410115.
Genomic context (GRCh38, chr5:161,882,996, plus strand): 5'-AAGTAATTACTGTAGCACAACAGGTAGCTATGTGAACTCTTAGAGATGAACATCTGGGTT[A>G]AATCCTTATTCCCCAACCTTGTCAGTTGTTTGTAGTCCCCTTGCAGGGTGGTTGGAAGAA-3'